The following is an entry in ClinVar:

NM_000441.2(SLC26A4):c.1726A>G (p.Arg576Gly)

Gene: SLC26A4 (solute carrier family 26 member 4; plus strand). Cytogenetic location: 7q22.3.
Variant type: single nucleotide variant.
Coding change: c.1726A>G on transcript NM_000441.2 (MANE Select); coding-DNA position 1726, A replaced by G.
Protein change: p.Arg576Gly; replaces arginine 576 with glycine.
Molecular consequence: missense variant.
Genome position (GRCh38, 1-based): chr7:107,701,119, A>G. VCF-style: chr7-107701119-A-G. GRCh37 (hg19) VCF-style: chr7-107341564-A-G.
Other names: short protein forms R576G.
Identifiers: ClinVar variation 1442183 (VCV001442183.6), dbSNP rs1264502726, ClinGen allele CA368842852.

ClinVar aggregate classification (germline): Uncertain significance (1 of 4 stars; one submission).

Allele frequency attached by ClinVar (database versions not stated): gnomAD 0.00001.

Submission:

Labcorp Genetics (formerly Invitae), Labcorp
Classification: Uncertain significance. Last evaluated: 2025-08-21. Review status: criteria provided, single submitter. Criteria: Invitae Variant Classification Sherloc (09022015). Collection method: clinical testing. Allele origin: germline.
Comment: This sequence change replaces arginine, which is basic and polar, with glycine, which is neutral and non-polar, at codon 576 of the SLC26A4 protein (p.Arg576Gly). This variant is present in population databases (no rsID available, gnomAD 0.06%). This variant has not been reported in the literature in individuals affected with SLC26A4-related conditions. ClinVar contains an entry for this variant (Variation ID: 1442183). Invitae Evidence Modeling of protein sequence and biophysical properties (such as structural, functional, and spatial information, amino acid conservation, physicochemical variation, residue mobility, and thermodynamic stability) has been performed for this missense variant. However, the output from this modeling did not meet the statistical confidence thresholds required to predict the impact of this variant on SLC26A4 protein function. In summary, the available evidence is currently insufficient to determine the role of this variant in disease. Therefore, it has been classified as a Variant of Uncertain Significance.